The following is an entry in ClinVar:

ClinVar aggregate classification (germline): Conflicting classifications of pathogenicity. Review status: criteria provided, conflicting classifications (1 of 4 stars). 4 submissions from 4 submitters: Uncertain significance (3); Likely benign (1). Last evaluated 2025-09-02.

Conditions:
Cardiomyopathy (CMYO). Also called: Cardiomyopathies. Identifiers: Orphanet 167848, MedGen C0878544, MONDO:0004994, HP:0001638. Inheritance: Various modes of inheritance.
Hypertrophic cardiomyopathy. Also called: HYPERTROPHIC MYOCARDIOPATHY. Identifiers: Orphanet 217569, MedGen C0007194, MeSH D002312, MONDO:0005045, HP:0001639.

Allele frequency attached by ClinVar (database versions not stated): TOPMed 0.00001; gnomAD exomes 0.00001 and below 0.00001.
gnomAD v4.1: 9 of 1,612,968 alleles (0.00056%); highest among the groups gnomAD compares: Admixed American, 0.0017%; no homozygotes.

Submissions (4):

Labcorp Genetics (formerly Invitae), Labcorp
Classification: Uncertain significance for Hypertrophic cardiomyopathy. Last evaluated: 2025-09-02. Review status: criteria provided, single submitter. Criteria: Invitae Variant Classification Sherloc (09022015). Collection method: clinical testing. Allele origin: germline.
Comment: This sequence change replaces serine, which is neutral and polar, with arginine, which is basic and polar, at codon 5 of the TNNI3 protein (p.Ser5Arg). This variant is present in population databases (no rsID available, gnomAD 0.003%). This variant has not been reported in the literature in individuals affected with TNNI3-related conditions. ClinVar contains an entry for this variant (Variation ID: 922257). Experimental studies and prediction algorithms are not available or were not evaluated, and the functional significance of this variant is currently unknown. In summary, the available evidence is currently insufficient to determine the role of this variant in disease. Therefore, it has been classified as a Variant of Uncertain Significance.

Color Diagnostics, LLC DBA Color Health
Classification: Likely benign for Cardiomyopathy. Last evaluated: 2025-08-20. Review status: criteria provided, single submitter. Criteria: ACMG Guidelines, 2015. Collection method: clinical testing. Allele origin: germline.

All of Us Research Program, National Institutes of Health
Classification: Uncertain significance for Hypertrophic cardiomyopathy. Last evaluated: 2023-10-02. Review status: criteria provided, single submitter. Criteria: ACMG Guidelines, 2015. Collection method: clinical testing. Allele origin: germline. Inheritance: Autosomal dominant inheritance. Observed: 2 variant alleles, 2 heterozygotes.
Comment: This missense variant replaces serine with arginine at codon 5 of the TNNI3 protein. Computational prediction suggests that this variant may not impact protein structure and function (internally defined REVEL score threshold <= 0.5, PMID: 27666373). To our knowledge, functional studies have not been reported for this variant. This variant has not been reported in individuals affected with cardiovascular disorders in the literature. This variant has been identified in 1/241788 chromosomes in the general population by the Genome Aggregation Database (gnomAD). The available evidence is insufficient to determine the role of this variant in disease conclusively. Therefore, this variant is classified as a Variant of Uncertain Significance.

This study involves interpretation of variants in research participants for the purpose of population health screening. Participant phenotype was not available at the time of variant classification. Additional details can be found in publication PMID: 35346344, PMCID: PMC8962531

CHEO Genetics Diagnostic Laboratory, Children's Hospital of Eastern Ontario
Classification: Uncertain significance for Cardiomyopathy. Last evaluated: 2020-12-09. Review status: criteria provided, single submitter. Criteria: ACMG Guidelines, 2015. Collection method: clinical testing. Allele origin: germline.

NM_000363.5(TNNI3):c.15C>A (p.Ser5Arg)

Gene: TNNI3 (troponin I3, cardiac type; minus strand). Cytogenetic location: 19q13.42.
Variant type: single nucleotide variant.
Coding change: c.15C>A on transcript NM_000363.5 (MANE Select); coding-DNA position 15, C replaced by A.
Protein change: p.Ser5Arg; replaces serine 5 with arginine.
Molecular consequence: missense variant.
Genome position (GRCh38, 1-based): chr19:55,157,305, G>T on the plus strand (C>A on the coding strand, the complement: TNNI3 is on the minus strand). VCF-style: chr19-55157305-G-T. GRCh37 (hg19) VCF-style: chr19-55668673-G-T.
Other names: short protein forms S5R.
Identifiers: ClinVar variation 922257 (VCV000922257.14), dbSNP rs989588363, ClinGen allele CA310150545.